The following is an entry in ClinVar:

ClinVar aggregate classification (germline): Uncertain significance. Review status: criteria provided, multiple submitters, no conflicts (2 of 4 stars). 2 submissions from 2 submitters: Uncertain significance (2). Last evaluated 2024-05-22.

Conditions:
Inborn genetic diseases. Identifiers: MedGen C0950123, MeSH D030342.

Allele frequency attached by ClinVar (database versions not stated): TOPMed 0.00001; gnomAD exomes 0.00002; gnomAD 0.00003.
gnomAD v4.1: 14 of 1,612,608 alleles (0.00087%); highest among the groups gnomAD compares: Non-Finnish European, 0.0012%; no homozygotes.

Submissions (2):

Labcorp Genetics (formerly Invitae), Labcorp
Classification: Uncertain significance. Last evaluated: 2024-05-22. Review status: criteria provided, single submitter. Criteria: Invitae Variant Classification Sherloc (09022015). Collection method: clinical testing. Allele origin: germline.
Comment: This sequence change replaces isoleucine, which is neutral and non-polar, with valine, which is neutral and non-polar, at codon 729 of the ACAN protein (p.Ile729Val). This variant is not present in population databases (gnomAD no frequency). This variant has not been reported in the literature in individuals affected with ACAN-related conditions. ClinVar contains an entry for this variant (Variation ID: 2479012). Advanced modeling of protein sequence and biophysical properties (such as structural, functional, and spatial information, amino acid conservation, physicochemical variation, residue mobility, and thermodynamic stability) performed at Invitae indicates that this missense variant is not expected to disrupt ACAN protein function with a negative predictive value of 80%. In summary, the available evidence is currently insufficient to determine the role of this variant in disease. Therefore, it has been classified as a Variant of Uncertain Significance.

Ambry Genetics
Classification: Uncertain significance for Inborn genetic diseases. Last evaluated: 2023-01-25. Review status: criteria provided, single submitter. Criteria: Ambry Variant Classification Scheme 2023. Collection method: clinical testing. Allele origin: germline.

NM_001369268.1(ACAN):c.2185A>G (p.Ile729Val)

Gene: ACAN (aggrecan; plus strand). Cytogenetic location: 15q26.1.
Variant type: single nucleotide variant.
Coding change: c.2185A>G on transcript NM_001369268.1 (MANE Select); coding-DNA position 2185, A replaced by G.
Protein change: p.Ile729Val; replaces isoleucine 729 with valine.
Molecular consequence: missense variant.
Genome position (GRCh38, 1-based): chr15:88,851,952, A>G. VCF-style: chr15-88851952-A-G. GRCh37 (hg19) VCF-style: chr15-89395183-A-G.
Other names: c.2185A>G, p.Ile729Val (NM_001135.4, NM_001411096.1, NM_001411097.1 and 1 more transcripts); short protein forms I729V.
Identifiers: ClinVar variation 2479012 (VCV002479012.4), dbSNP rs1007385280, ClinGen allele CA274477561.